The following is an entry in ClinVar:

NM_003803.4(MYOM1):c.3263G>A (p.Arg1088Gln)

Gene: MYOM1 (myomesin 1; minus strand). Cytogenetic location: 18p11.31.
Variant type: single nucleotide variant.
Coding change: c.3263G>A on transcript NM_003803.4 (MANE Select); coding-DNA position 3263, G replaced by A.
Protein change: p.Arg1088Gln; replaces arginine 1088 with glutamine.
Molecular consequence: missense variant.
Genome position (GRCh38, 1-based): chr18:3,116,371, C>T on the plus strand (G>A on the coding strand, the complement: MYOM1 is on the minus strand). VCF-style: chr18-3116371-C-T. GRCh37 (hg19) VCF-style: chr18-3116369-C-T.
Other names: c.2975G>A, p.Arg992Gln (NM_019856.2); short protein forms R992Q, R1088Q.
Identifiers: ClinVar variation 1729562 (VCV001729562.5), dbSNP rs866361705, ClinGen allele CA295504615.

ClinVar aggregate classification (germline): Uncertain significance. Review status: criteria provided, multiple submitters, no conflicts (2 of 4 stars). 2 submissions from 2 submitters: Uncertain significance (2). Last evaluated 2023-07-28.

Conditions:
Hypertrophic cardiomyopathy. Also called: HYPERTROPHIC MYOCARDIOPATHY. Identifiers: Orphanet 217569, MedGen C0007194, MeSH D002312, MONDO:0005045, HP:0001639.

Allele frequency attached by ClinVar (database versions not stated): gnomAD exomes below 0.00001; TOPMed 0.00001.
gnomAD v4.1: 6 of 1,612,706 alleles (0.00037%); highest among the groups gnomAD compares: Middle Eastern, 0.019%; no homozygotes.

Submissions (2):

Labcorp Genetics (formerly Invitae), Labcorp
Classification: Uncertain significance for Hypertrophic cardiomyopathy. Last evaluated: 2023-07-28. Review status: criteria provided, single submitter. Criteria: Invitae Variant Classification Sherloc (09022015). Collection method: clinical testing. Allele origin: germline.
Comment: This sequence change replaces arginine, which is basic and polar, with glutamine, which is neutral and polar, at codon 1088 of the MYOM1 protein (p.Arg1088Gln). The frequency data for this variant in the population databases is considered unreliable, as metrics indicate poor data quality at this position in the gnomAD database. In summary, the available evidence is currently insufficient to determine the role of this variant in disease. Therefore, it has been classified as a Variant of Uncertain Significance. Advanced modeling of protein sequence and biophysical properties (such as structural, functional, and spatial information, amino acid conservation, physicochemical variation, residue mobility, and thermodynamic stability) performed at Invitae indicates that this missense variant is not expected to disrupt MYOM1 protein function. ClinVar contains an entry for this variant (Variation ID: 1729562). This variant has not been reported in the literature in individuals affected with MYOM1-related conditions.

Ambry Genetics
Classification: Uncertain significance. Last evaluated: 2022-03-23. Review status: criteria provided, single submitter. Criteria: Ambry Variant Classification Scheme 2023. Collection method: clinical testing. Allele origin: germline.
Comment: The p.R1088Q variant (also known as c.3263G>A), located in coding exon 20 of the MYOM1 gene, results from a G to A substitution at nucleotide position 3263. The arginine at codon 1088 is replaced by glutamine, an amino acid with highly similar properties. This amino acid position is conserved. In addition, this alteration is predicted to be tolerated by in silico analysis. Since supporting evidence is limited at this time, the clinical significance of this alteration remains unclear.